The following is an entry in ClinVar:

NM_145045.5(ODAD3):c.907G>A (p.Glu303Lys)

Gene: ODAD3 (outer dynein arm docking complex subunit 3; minus strand). Cytogenetic location: 19p13.2.
Variant type: single nucleotide variant.
Coding change: c.907G>A on transcript NM_145045.5 (MANE Select); coding-DNA position 907, G replaced by A.
Protein change: p.Glu303Lys; replaces glutamic acid 303 with lysine.
Molecular consequence: missense variant.
Genome position (GRCh38, 1-based): chr19:11,426,200, C>T on the plus strand (G>A on the coding strand, the complement: ODAD3 is on the minus strand). VCF-style: chr19-11426200-C-T. GRCh37 (hg19) VCF-style: chr19-11537020-C-T.
Other names: c.745G>A, p.Glu249Lys (NM_001302453.1); c.727G>A, p.Glu243Lys (NM_001302454.2); short protein forms E303K, E243K, E249K.
Identifiers: ClinVar variation 406816 (VCV000406816.8), dbSNP rs1060501319, ClinGen allele CA16616218.
Genomic context (GRCh38, chr19:11,426,200, plus strand): 5'-CCACCTTGCGCTCCATGCGCTCGTTCTCCAGTTTCTTCTCCTCGGCGCGCTTCTTGCACT[C>T]ACTTATGTAGCGTTCCCGCTTCTTGCGCTCTCGAACCAAGGTCTCCTCTAGGTACTGCAG-3'
Protein context (NP_659482.3, residues 293-313): ERKKRERYIS[Glu303Lys]CKKRAEEKKL

ClinVar aggregate classification (germline): Uncertain significance (1 of 4 stars; one submission).

Conditions:
Primary ciliary dyskinesia 30. Also called: CILIARY DYSKINESIA, PRIMARY, 30, WITH OR WITHOUT SITUS INVERSUS. Identifiers: Orphanet 244, MedGen C4015016, MONDO:0014465, OMIM 616037.

Allele frequency attached by ClinVar (database versions not stated): gnomAD exomes below 0.00001.

Submission:

Labcorp Genetics (formerly Invitae), Labcorp
Classification: Uncertain significance for Primary ciliary dyskinesia 30. Last evaluated: 2016-08-22. Review status: criteria provided, single submitter. Criteria: Invitae Variant Classification Sherloc (09022015). Collection method: clinical testing. Allele origin: germline.
Comment: This sequence change replaces glutamic acid with lysine at codon 303 of the CCDC151 protein (p.Glu303Lys). The glutamic acid residue is weakly conserved and there is a small physicochemical difference between glutamic acid and lysine. This variant is not present in population databases (ExAC no frequency) and has not been reported in the literature in individuals with a CCDC151-related disease. Algorithms developed to predict the effect of missense changes on protein structure and function do not agree on the potential impact of this missense change (SIFT: "Tolerated"; PolyPhen-2: "Possibly Damaging"; Align-GVGD: "Class C0"). In summary, this variant is a novel missense change with uncertain impact on protein function. It has been classified as a Variant of Uncertain Significance.